The following is an entry in ClinVar:

ClinVar aggregate classification (germline): Uncertain significance (1 of 4 stars; one submission).

Allele frequency attached by ClinVar (database versions not stated): ExAC 0.00002.
gnomAD v4.1: 30 of 1,614,216 alleles (0.0019%); no homozygotes.

Submission:

Labcorp Genetics (formerly Invitae), Labcorp
Classification: Uncertain significance. Last evaluated: 2022-06-17. Review status: criteria provided, single submitter. Criteria: Invitae Variant Classification Sherloc (09022015). Collection method: clinical testing. Allele origin: germline.
Comment: Algorithms developed to predict the effect of missense changes on protein structure and function (SIFT, PolyPhen-2, Align-GVGD) all suggest that this variant is likely to be disruptive. This variant has not been reported in the literature in individuals affected with CUL7-related conditions. This variant is present in population databases (rs758375607, gnomAD 0.05%). This sequence change replaces aspartic acid, which is acidic and polar, with histidine, which is basic and polar, at codon 1327 of the CUL7 protein (p.Asp1327His). In summary, the available evidence is currently insufficient to determine the role of this variant in disease. Therefore, it has been classified as a Variant of Uncertain Significance.

NM_014780.5(CUL7):c.3979G>C (p.Asp1327His)

Gene: CUL7 (cullin 7; minus strand). Cytogenetic location: 6p21.1.
Variant type: single nucleotide variant.
Coding change: c.3979G>C on transcript NM_014780.5 (MANE Select); coding-DNA position 3979, G replaced by C.
Protein change: p.Asp1327His; replaces aspartic acid 1327 with histidine.
Molecular consequence: missense variant.
Genome position (GRCh38, 1-based): chr6:43,040,574, C>G on the plus strand (G>C on the coding strand, the complement: CUL7 is on the minus strand). VCF-style: chr6-43040574-C-G. GRCh37 (hg19) VCF-style: chr6-43008312-C-G.
Other names: c.4075G>C, p.Asp1359His (NM_001168370.2, NM_001374872.1); c.3979G>C, p.Asp1327His (NM_001374873.1); c.3976G>C, p.Asp1326His (NM_001374874.1); short protein forms D1359H, D1326H, D1327H.
Identifiers: ClinVar variation 2007452 (VCV002007452.4), dbSNP rs758375607, ClinGen allele CA3813343.